The following is an entry in ClinVar:

NM_144651.5(PXDNL):c.2218C>T (p.Pro740Ser)

Gene: PXDNL (peroxidasin like; minus strand). Cytogenetic location: 8q11.22.
Variant type: single nucleotide variant.
Coding change: c.2218C>T on transcript NM_144651.5 (MANE Select); coding-DNA position 2218, C replaced by T.
Protein change: p.Pro740Ser; replaces proline 740 with serine.
Molecular consequence: missense variant.
Genome position (GRCh38, 1-based): chr8:51,409,406, G>A on the plus strand (C>T on the coding strand, the complement: PXDNL is on the minus strand). VCF-style: chr8-51409406-G-A. GRCh37 (hg19) VCF-style: chr8-52321966-G-A.
Other names: short protein forms P740S.
Identifiers: ClinVar variation 3038456 (VCV003038456.2), dbSNP rs201280324, ClinGen allele CA4745089.

ClinVar aggregate classification (germline): Benign (0 of 4 stars; one submission).

Conditions:
PXDNL-related disorder. Also called: PXDNL-related condition.

Allele frequency attached by ClinVar (database versions not stated): 1000 Genomes Project 0.00140; 1000 Genomes Project 30x 0.00156; TOPMed 0.00468; gnomAD 0.00515; ESP Exome Variant Server 0.00535; ExAC 0.00620; gnomAD exomes 0.00716.
gnomAD v4.1: 11,053 of 1,610,734 alleles (0.69%); highest among the groups gnomAD compares: Non-Finnish European, 0.85%; 55 homozygotes.

Submission:

PreventionGenetics, part of Exact Sciences
Classification: Benign for PXDNL-related condition. Last evaluated: 2019-05-22. Review status: no assertion criteria provided. Collection method: clinical testing. Allele origin: germline.
Comment: This variant is classified as benign based on ACMG/AMP sequence variant interpretation guidelines (Richards et al. 2015 PMID: 25741868, with internal and published modifications).